The following is an entry in ClinVar:

NM_000098.3(CPT2):c.1157A>C (p.Glu386Ala)

Gene: CPT2 (carnitine palmitoyltransferase 2; plus strand). Cytogenetic location: 1p32.3.
Variant type: single nucleotide variant.
Coding change: c.1157A>C on transcript NM_000098.3 (MANE Select); coding-DNA position 1157, A replaced by C.
Protein change: p.Glu386Ala; replaces glutamic acid 386 with alanine.
Molecular consequence: missense variant.
Genome position (GRCh38, 1-based): chr1:53,210,831, A>C. VCF-style: chr1-53210831-A-C. GRCh37 (hg19) VCF-style: chr1-53676503-A-C.
Other names: c.1157A>C, p.Glu386Ala (NM_001330589.2); short protein forms E386A.
Identifiers: ClinVar variation 1015254 (VCV001015254.10), dbSNP rs1468591138, ClinGen allele CA340394638.

ClinVar aggregate classification (germline): Uncertain significance. Review status: criteria provided, single submitter (1 of 4 stars). 2 submissions from 2 submitters: Uncertain significance (1). 1 of the submissions does not count toward it. Last evaluated 2025-11-11.

Conditions:
Carnitine palmitoyltransferase II deficiency. Also called: Carnitine Palmitoyltransferase 2 Deficiency. Identifiers: Orphanet 157, MedGen C0342790, MONDO:0015515.

Allele frequency attached by ClinVar (database versions not stated): gnomAD exomes below 0.00001.

Submissions (2):

Labcorp Genetics (formerly Invitae), Labcorp
Classification: Uncertain significance for Carnitine palmitoyltransferase II deficiency. Last evaluated: 2025-11-11. Review status: criteria provided, single submitter. Criteria: Invitae Variant Classification Sherloc (09022015). Collection method: clinical testing. Allele origin: germline.
Comment: This sequence change replaces glutamic acid, which is acidic and polar, with alanine, which is neutral and non-polar, at codon 386 of the CPT2 protein (p.Glu386Ala). This variant is present in population databases (no rsID available, gnomAD 0.003%). This variant has not been reported in the literature in individuals affected with CPT2-related conditions. ClinVar contains an entry for this variant (Variation ID: 1015254). Invitae Evidence Modeling of protein sequence and biophysical properties (such as structural, functional, and spatial information, amino acid conservation, physicochemical variation, residue mobility, and thermodynamic stability) has been performed for this missense variant. However, the output from this modeling did not meet the statistical confidence thresholds required to predict the impact of this variant on CPT2 protein function. In summary, the available evidence is currently insufficient to determine the role of this variant in disease. Therefore, it has been classified as a Variant of Uncertain Significance.

Natera, Inc.
Classification: Uncertain significance for Carnitine palmitoyltransferase II deficiency. Last evaluated: 2021-02-12. Review status: no assertion criteria provided. Collection method: clinical testing. Allele origin: germline. Not counted in ClinVar's aggregate classification.